The following is an entry in ClinVar:

NM_002734.5(PRKAR1A):c.16A>G (p.Thr6Ala)

Gene: PRKAR1A (protein kinase cAMP-dependent type I regulatory subunit alpha; plus strand). Cytogenetic location: 17q24.2.
Variant type: single nucleotide variant.
Coding change: c.16A>G on transcript NM_002734.5 (MANE Select); coding-DNA position 16, A replaced by G.
Protein change: p.Thr6Ala; replaces threonine 6 with alanine.
Molecular consequence: missense variant.
Genome position (GRCh38, 1-based): chr17:68,515,415, A>G. VCF-style: chr17-68515415-A-G. GRCh37 (hg19) VCF-style: chr17-66511556-A-G.
Other names: c.16A>G, p.Thr6Ala (NM_001276289.2, NM_001276290.1, NM_001278433.2 and 4 more transcripts); short protein forms T6A.
Identifiers: ClinVar variation 3309961 (VCV003309961.1).
Genomic context (GRCh38, chr17:68,515,415, plus strand): 5'-TATAGTTTATACAAGCATGTGTGTGTTTTTTTCTCGCAGAGAACCATGGAGTCTGGCAGT[A>G]CCGCCGCCAGTGAGGAGGCACGCAGCCTTCGAGAATGTGAGCTCTACGTCCAGAAGCATA-3'
Protein context (NP_002725.1, residues 1-16): MESGS[Thr6Ala]AASEEARSLR

ClinVar aggregate classification (germline): Uncertain significance (1 of 4 stars; one submission).

Conditions:
Hereditary cancer-predisposing syndrome. Also called: Neoplastic Syndromes, Hereditary; Tumor predisposition; Hereditary neoplastic syndrome; Hereditary Cancer Syndrome. Identifiers: Orphanet 140162, MedGen C0027672, MeSH D009386, MONDO:0015356.

Submission:

Ambry Genetics
Classification: Uncertain significance for Hereditary cancer-predisposing syndrome. Last evaluated: 2024-04-07. Review status: criteria provided, single submitter. Criteria: Ambry Variant Classification Scheme 2023. Collection method: clinical testing. Allele origin: germline.
Comment: The p.T6A variant (also known as c.16A>G), located in coding exon 1 of the PRKAR1A gene, results from an A to G substitution at nucleotide position 16. The threonine at codon 6 is replaced by alanine, an amino acid with similar properties. This amino acid position is conserved. In addition, this alteration is predicted to be tolerated by in silico analysis. Based on the available evidence, the clinical significance of this variant remains unclear.